The following is an entry in ClinVar:

NM_015959.4(TMX2):c.507C>T (p.Asp169=)

Genes: TMX2 (thioredoxin related transmembrane protein 2; plus strand), TMX2-CTNND1 (TMX2-CTNND1 readthrough (NMD candidate); plus strand). Cytogenetic location: 11q12.1.
Variant type: single nucleotide variant.
Coding change: c.507C>T on transcript NM_015959.4 (MANE Select); coding-DNA position 507, C replaced by T.
Protein change: p.Asp169=; no amino-acid change (aspartic acid 169 retained).
Molecular consequence: synonymous variant. On other transcripts: non-coding transcript variant (4).
Genome position (GRCh38, 1-based): chr11:57,738,729, C>T. VCF-style: chr11-57738729-C-T. GRCh37 (hg19) VCF-style: chr11-57506201-C-T.
Other names: c.393C>T, p.Asp131= (NM_001144012.3); c.507C>T, p.Asp169= (NM_001347890.2, NM_001347898.2); c.423C>T, p.Asp141= (NM_001347891.2); c.300C>T, p.Asp100= (NM_001347892.2); c.225C>T, p.Asp75= (NM_001347893.2, NM_001347894.2, NM_001347895.2 and 1 more transcripts).
Identifiers: ClinVar variation 2641795 (VCV002641795.24), dbSNP rs2495433824, ClinGen allele CA474594524.

ClinVar aggregate classification (germline): Likely benign (1 of 4 stars; one submission).

gnomAD v4.1: 1 of 1,614,142 alleles (0.000062%); highest among the groups gnomAD compares: South Asian, 0.0011%; no homozygotes.

Submission:

CeGaT Center for Human Genetics Tuebingen
Classification: Likely benign. Last evaluated: 2023-09-01. Review status: criteria provided, single submitter. Criteria: CeGaT Center For Human Genetics Tuebingen Variant Classification Criteria Version 2. Collection method: clinical testing. Allele origin: germline. Affected: yes. Observed: 1 variant allele.
Comment: TMX2: PM2:Supporting, BP4, BP7